The following is an entry in ClinVar:

NM_001035.3(RYR2):c.2069C>T (p.Ala690Val)

Gene: RYR2 (ryanodine receptor 2; plus strand). Cytogenetic location: 1q43.
Variant type: single nucleotide variant.
Coding change: c.2069C>T on transcript NM_001035.3 (MANE Select); coding-DNA position 2069, C replaced by T.
Protein change: p.Ala690Val; replaces alanine 690 with valine.
Molecular consequence: missense variant.
Genome position (GRCh38, 1-based): chr1:237,496,618, C>T. VCF-style: chr1-237496618-C-T. GRCh37 (hg19) VCF-style: chr1-237659918-C-T.
Other names: short protein forms A690V.
Identifiers: ClinVar variation 1332113 (VCV001332113.3), dbSNP rs2150448358, ClinGen allele CA345391660.
Genomic context (GRCh38, chr1:237,496,618, plus strand): 5'-ATAAGAAATGGTACTATGAATTGATGGTGGACCACACAGAGCCCTTTGTGACAGCTGAAG[C>T]AACTCACCTGCGAGTGGGCTGGGCTTCCACTGAAGGATATTCTCCCTACCCTGGAGGGGG-3'
Protein context (NP_001026.2, residues 680-700): DHTEPFVTAE[Ala690Val]THLRVGWAST

ClinVar aggregate classification (germline): Uncertain significance (1 of 4 stars; one submission).

Conditions:
Cardiomyopathy (CMYO). Also called: Cardiomyopathies. Identifiers: Orphanet 167848, MedGen C0878544, MONDO:0004994, HP:0001638. Inheritance: Various modes of inheritance.

Submission:

Color Diagnostics, LLC DBA Color Health
Classification: Uncertain significance for Cardiomyopathy. Last evaluated: 2024-03-06. Review status: criteria provided, single submitter. Criteria: ACMG Guidelines, 2015. Collection method: clinical testing. Allele origin: germline.
Comment: This missense variant replaces alanine with valine at codon 690 of the RYR2 protein. Computational prediction suggests that this variant may not impact protein structure and function (internally defined REVEL score threshold <= 0.5, PMID: 27666373). To our knowledge, functional studies have not been reported for this variant. This variant has not been reported in individuals affected with cardiovascular disorders in the literature. This variant has not been identified in the general population by the Genome Aggregation Database (gnomAD). The available evidence is insufficient to determine the role of this variant in disease conclusively. Therefore, this variant is classified as a Variant of Uncertain Significance.